The following is an entry in ClinVar:

NM_025099.6(CTC1):c.1241G>A (p.Gly414Glu)

Gene: CTC1 (CST telomere replication complex component 1; minus strand). Cytogenetic location: 17p13.1.
Variant type: single nucleotide variant.
Coding change: c.1241G>A on transcript NM_025099.6 (MANE Select); coding-DNA position 1241, G replaced by A.
Protein change: p.Gly414Glu; replaces glycine 414 with glutamic acid.
Molecular consequence: missense variant. On other transcripts: non-coding transcript variant (1).
Genome position (GRCh38, 1-based): chr17:8,235,251, C>T on the plus strand (G>A on the coding strand, the complement: CTC1 is on the minus strand). VCF-style: chr17-8235251-C-T. GRCh37 (hg19) VCF-style: chr17-8138569-C-T.
Other names: p.Gly414Glu; short protein forms G414E.
Identifiers: ClinVar variation 863817 (VCV000863817.15), dbSNP rs62624978, ClinGen allele CA8372410.

ClinVar aggregate classification (germline): Uncertain significance. Review status: criteria provided, multiple submitters, no conflicts (2 of 4 stars). 5 submissions from 5 submitters: Uncertain significance (5). Last evaluated 2024-11-12.

Conditions:
Dyskeratosis congenita. Identifiers: Orphanet 1775, MedGen C0265965, MONDO:0015780.
Cerebroretinal microangiopathy with calcifications and cysts 1 (CRMCC1). Identifiers: Orphanet 313838, MedGen C4552029, MONDO:0024564, OMIM 612199.

Allele frequency attached by ClinVar (database versions not stated): TOPMed 0.00002.
gnomAD v4.1: 34 of 1,613,924 alleles (0.0021%); highest among the groups gnomAD compares: Admixed American, 0.0083%; no homozygotes.

Submissions (5):

Mayo Clinic Laboratories, Mayo Clinic
Classification: Uncertain significance. Last evaluated: 2024-11-12. Review status: criteria provided, single submitter. Criteria: ACMG Guidelines, 2015. Collection method: clinical testing. Allele origin: germline. Observed: 1 variant allele.

Labcorp Genetics (formerly Invitae), Labcorp
Classification: Uncertain significance for Dyskeratosis congenita. Last evaluated: 2023-09-20. Review status: criteria provided, single submitter. Criteria: Invitae Variant Classification Sherloc (09022015). Collection method: clinical testing. Allele origin: germline.
Comment: In summary, the available evidence is currently insufficient to determine the role of this variant in disease. Therefore, it has been classified as a Variant of Uncertain Significance. Advanced modeling of protein sequence and biophysical properties (such as structural, functional, and spatial information, amino acid conservation, physicochemical variation, residue mobility, and thermodynamic stability) performed at Invitae indicates that this missense variant is expected to disrupt CTC1 protein function. ClinVar contains an entry for this variant (Variation ID: 863817). This variant has not been reported in the literature in individuals affected with CTC1-related conditions. This variant is present in population databases (rs62624978, gnomAD 0.009%). This sequence change replaces glycine, which is neutral and non-polar, with glutamic acid, which is acidic and polar, at codon 414 of the CTC1 protein (p.Gly414Glu).

Genome-Nilou Lab
Classification: Uncertain significance for Cerebroretinal microangiopathy with calcifications and cysts 1. Last evaluated: 2021-07-15. Review status: criteria provided, single submitter. Criteria: ACMG Guidelines, 2015. Collection method: clinical testing. Allele origin: germline. Affected: no.

Sema4
Classification: Uncertain significance for Dyskeratosis congenita. Last evaluated: 2021-06-02. Review status: criteria provided, single submitter. Criteria: Sema4 Curation Guidelines. Collection method: curation. Allele origin: germline.
Comment: To the best of our knowledge, the CTC1 c.1241G>A (p.G414E) variant has not been reported in individuals with CTC1-related disease. It was observed in 3/35338 chromosomes of the Latino subpopulation in the large and broad cohorts of the Genome Aggregation Database (PMID: 32461654). The variant has been reported in ClinVar (Variation ID 863817). Functional studies have not been performed, and in silico predictions of the variant's effect on protein function are inconclusive. The evidence is insufficient to meet ACMG/AMP criteria for classifying the variant as benign or pathogenic. Thus, the clinical significance of this variant is currently uncertain.

Illumina Laboratory Services, Illumina
Classification: Uncertain significance for Dyskeratosis congenita. Last evaluated: 2018-01-12. Review status: criteria provided, single submitter. Criteria: ICSL Variant Classification Criteria 13 December 2019. Collection method: clinical testing. Allele origin: germline.